The following is an entry in ClinVar:

ClinVar aggregate classification (germline): Uncertain significance. Review status: criteria provided, multiple submitters, no conflicts (2 of 4 stars). 2 submissions from 2 submitters: Uncertain significance (2). Last evaluated 2022-06-19.

Conditions:
Pitt-Hopkins-like syndrome 2 (PTHSL2). Identifiers: Orphanet 221150, Orphanet 600663, MedGen C3280479, MONDO:0013690, OMIM 614325.

Allele frequency attached by ClinVar (database versions not stated): gnomAD exomes 0.00001 and 0.00002; TOPMed 0.00001; ExAC 0.00002; gnomAD 0.00003 and 0.00004.
gnomAD v4.1: 28 of 1,525,144 alleles (0.0018%); highest among the groups gnomAD compares: Non-Finnish European, 0.0024%; no homozygotes.

Submissions (2):

Labcorp Genetics (formerly Invitae), Labcorp
Classification: Uncertain significance for Pitt-Hopkins-like syndrome 2. Last evaluated: 2022-06-19. Review status: criteria provided, single submitter. Criteria: Invitae Variant Classification Sherloc (09022015). Collection method: clinical testing. Allele origin: germline.
Comment: This sequence change replaces glutamic acid, which is acidic and polar, with lysine, which is basic and polar, at codon 258 of the NRXN1 protein (p.Glu258Lys). This variant also falls at the last nucleotide of exon 2, which is part of the consensus splice site for this exon. In summary, the available evidence is currently insufficient to determine the role of this variant in disease. Therefore, it has been classified as a Variant of Uncertain Significance. Variants that disrupt the consensus splice site are a relatively common cause of aberrant splicing (PMID: 17576681, 9536098). Algorithms developed to predict the effect of sequence changes on RNA splicing suggest that this variant may disrupt the consensus splice site. Algorithms developed to predict the effect of missense changes on protein structure and function are either unavailable or do not agree on the potential impact of this missense change (SIFT: "Deleterious"; PolyPhen-2: "Benign"; Align-GVGD: "Class C0"). ClinVar contains an entry for this variant (Variation ID: 432496). This variant has not been reported in the literature in individuals affected with NRXN1-related conditions. This variant is present in population databases (rs746465882, gnomAD 0.003%).

GeneDx
Classification: Uncertain significance. Last evaluated: 2018-01-24. Review status: criteria provided, single submitter. Criteria: GeneDx Variant Classification (06012015). Collection method: clinical testing. Allele origin: germline. Affected: yes.
Comment: The E258K variant has not been published as a pathogenic variant, nor has it been reported as a benign variant to our knowledge. The E258K variant is not observed at a significant frequency in large population cohorts (Lek et al., 2016). This variant is a non-conservative amino acid substitution, which is likely to impact secondary protein structure as these residues differ in polarity, charge, size and/or other properties. However, in-silico analyses, including protein predictors and evolutionary conservation, support that this variant does not alter protein structure/function.

Literature cited by the submitters: PubMed 17576681 (cited by Labcorp Genetics (formerly Invitae), Labcorp); PubMed 9536098 (cited by Labcorp Genetics (formerly Invitae), Labcorp).

NM_001330078.2(NRXN1):c.772G>A (p.Glu258Lys)

Gene: NRXN1 (neurexin 1; minus strand). Cytogenetic location: 2p16.3.
Variant type: single nucleotide variant.
Coding change: c.772G>A on transcript NM_001330078.2 (MANE Select); coding-DNA position 772, G replaced by A.
Protein change: p.Glu258Lys; replaces glutamic acid 258 with lysine.
Molecular consequence: missense variant.
Genome position (GRCh38, 1-based): chr2:51,027,502, C>T on the plus strand (G>A on the coding strand, the complement: NRXN1 is on the minus strand). VCF-style: chr2-51027502-C-T. GRCh37 (hg19) VCF-style: chr2-51254640-C-T.
Other names: c.772G>A, p.Glu258Lys (NM_001135659.3, NM_001330077.2, NM_001330081.2 and 7 more transcripts); c.772G>A, p.Asp258Asn (NM_001330079.2, NM_001330093.2); c.772G>A, p.Gly258Arg (NM_001330083.2, NM_001330084.2, NM_001330087.2 and 1 more transcripts); c.772G>A, p.Gly258Ser (NM_001330088.2, NM_001330089.2); short protein forms E258K, D258N, G258S, G258R.
Identifiers: ClinVar variation 432496 (VCV000432496.11), dbSNP rs746465882, ClinGen allele CA1655416.